The following is an entry in ClinVar:

ClinVar aggregate classification (germline): Likely benign (1 of 4 stars; one submission).

Submission:

CeGaT Center for Human Genetics Tuebingen
Classification: Likely benign. Last evaluated: 2026-06-01. Review status: criteria provided, single submitter. Criteria: CeGaT Center For Human Genetics Tuebingen Variant Classification Criteria Version 2. Collection method: clinical testing. Allele origin: germline. Affected: yes. Observed: 1 variant allele.
Comment: RGPD3: BP4, BP7

NM_001144013.2(RGPD3):c.738G>A (p.Thr246=)

Gene: RGPD3 (RANBP2 like and GRIP domain containing 3; minus strand). Cytogenetic location: 2q12.2.
Variant type: single nucleotide variant.
Coding change: c.738G>A on transcript NM_001144013.2 (MANE Select); coding-DNA position 738, G replaced by A.
Protein change: p.Thr246=; no amino-acid change (threonine 246 retained).
Molecular consequence: synonymous variant.
Genome position (GRCh38, 1-based): chr2:106,452,249, C>T on the plus strand (G>A on the coding strand, the complement: RGPD3 is on the minus strand). VCF-style: chr2-106452249-C-T. GRCh37 (hg19) VCF-style: chr2-107068705-C-T.
Identifiers: ClinVar variation 5039426 (VCV005039426.1).
Genomic context (GRCh38, chr2:106,452,249, plus strand): 5'-CTCAAAGTCAACGCACCTTTCCAGTAATTCTCTACTTTCCTGCACATCTCTAGTGGAAAG[C>T]GTAAGAAGCATAAGATTAGCATAGGCCAGCAGTAAGTCTGTATTGGTTGCTCGCCAGTCA-3'
Protein context (NP_001137485.1, residues 236-256): LLAYANLMLL[Thr246=]LSTRDVQESR